The following is an entry in ClinVar:

NM_004606.5(TAF1):c.547T>G (p.Phe183Val)

Gene: TAF1 (TATA-box binding protein associated factor 1; plus strand). Cytogenetic location: Xq13.1.
Variant type: single nucleotide variant.
Coding change: c.547T>G on transcript NM_004606.5 (MANE Select); coding-DNA position 547, T replaced by G.
Protein change: p.Phe183Val; replaces phenylalanine 183 with valine.
Molecular consequence: missense variant. On other transcripts: non-coding transcript variant (9).
Genome position (GRCh38, 1-based): chrX:71,377,024, T>G. VCF-style: chrX-71377024-T-G. GRCh37 (hg19) VCF-style: chrX-70596874-T-G.
Other names: c.547T>G, p.Phe183Val (NM_001286074.2, NM_001440852.1, NM_001440853.1); c.484T>G, p.Phe162Val (NM_001440854.1, NM_138923.4); short protein forms F183V, F162V.
Identifiers: ClinVar variation 4999094 (VCV004999094.1).

ClinVar aggregate classification (germline): Uncertain significance (1 of 4 stars; one submission).

Conditions:
TAF1-related disorder. Also called: TAF1-related condition.

Submission:

PreventionGenetics, part of Exact Sciences
Classification: Uncertain significance for TAF1-related condition. Last evaluated: 2025-06-14. Review status: criteria provided, single submitter. Criteria: ACMG Guidelines, 2015. Collection method: clinical testing. Allele origin: germline.
Comment: The TAF1 c.607T>G variant is predicted to result in the amino acid substitution p.Phe203Val. To our knowledge, this variant has not been reported in the literature or in a large population database (gnomAD), indicating this variant is rare. At this time, the clinical significance of this variant is uncertain due to the absence of conclusive functional and genetic evidence.